The following is an entry in ClinVar:

ClinVar aggregate classification (germline): Uncertain significance (1 of 4 stars; one submission).

Conditions:
Rienhoff syndrome. Also called: LOEYS-DIETZ SYNDROME 5. Identifiers: MedGen C3810012, MONDO:0014262, OMIM 615582.

Submission:

Labcorp Genetics (formerly Invitae), Labcorp
Classification: Uncertain significance for Rienhoff syndrome. Last evaluated: 2025-12-06. Review status: criteria provided, single submitter. Criteria: Invitae Variant Classification Sherloc (09022015). Collection method: clinical testing. Allele origin: germline.
Comment: This sequence change inserts a large fragment of DNA, likely a transposable element, in exon 7 of the TGFB3 gene (c.1225_1226ins?), causing a frameshift at codon 409 (p.Cys409fs). The exact size and sequence of the insertion cannot be determined by the current assay. However, the insertion is expected to result in an absent or disrupted protein product. This variant is not present in population databases (gnomAD no frequency). A similar variant has been observed in individual(s) with clinical features of TGFB3-related conditions (internal data). Retrotransposon insertions including LINE1 (L1), Alu, and SVA (SINE-VNTR-Alu) have been reported to disrupt protein function (PMID: 19763152, 20307669, 22406018). However the effect of this particular variant is unknown. In summary, the available evidence is currently insufficient to determine the role of this variant in disease. Therefore, it has been classified as a Variant of Uncertain Significance.

Literature cited by the submitters: PubMed 19763152; PubMed 20307669; PubMed 22406018.

NM_003239.5(TGFB3):c.1212_1225GGT[2]GAAGTCTTTTTTTTTTTTTTTTTTTTTTNNNNNNNNNNACCTCGTGATCCGCCCGCCTCGGCCTCCCAAAGTGCTGGGATTACAGGCGTGAGCCACCGCGCCCGGCCGGTGGTGAAGTCTT[1] (p.Cys409delinsPhePhePhePhePhePhePheXaaXaaXaaXaaLeuValIleArgProProArgProProLysValLeuGlyLeuGlnAlaTer)

Gene: TGFB3 (transforming growth factor beta 3; minus strand). Cytogenetic location: 14q24.3.
Variant type: Insertion.
Coding change: c.1212_1225GGT[2]GAAGTCTTTTTTTTTTTTTTTTTTTTTTNNNNNNNNNNACCTCGTGATCCGCCCGCCTCGGCCTCCCAAAGTGCTGGGATTACAGGCGTGAGCCACCGCGCCCGGCCGGTGGTGAAGTCTT[1] on transcript NM_003239.5 (MANE Select).
Protein change: p.Cys409delinsPhePhePhePhePhePhePheXaaXaaXaaXaaLeuValIleArgProProArgProProLysValLeuGlyLeuGlnAlaTer.
Molecular consequence: nonsense.
Genome position: GRCh38: chr14:75,959,214-75,959,215. GRCh37 (hg19): chr14:76,425,557-76,425,558.
Other names: c.1212_1225GGT[2]GAAGTCTTTTTTTTTTTTTTTTTTTTTTNNNNNNNNNNACCTCGTGATCCGCCCGCCTCGGCCTCCCAAAGTGCTGGGATTACAGGCGTGAGCCACCGCGCCCGGCCGGTGGTGAAGTCTT[1], p.Cys409delinsPhePhePhePhePhePhePheXaaXaaXaaXaaLeuValIleArgProProArgProProLysValLeuGlyLeuGlnAlaTer (NM_001329939.2).
Identifiers: ClinVar variation 4732637 (VCV004732637.1).